The following is an entry in ClinVar:

ClinVar aggregate classification (germline): Likely benign. Review status: criteria provided, single submitter (1 of 4 stars). 2 submissions from 2 submitters: Likely benign (1). 1 of the submissions does not count toward it. Last evaluated 2025-06-03.

Conditions:
Hereditary cancer-predisposing syndrome. Also called: Hereditary neoplastic syndrome; Neoplastic Syndromes, Hereditary; Tumor predisposition; Hereditary Cancer Syndrome. Identifiers: Orphanet 140162, MedGen C0027672, MeSH D009386, MONDO:0015356.

Submissions (2):

Ambry Genetics
Classification: Likely benign for Hereditary cancer-predisposing syndrome. Last evaluated: 2025-06-03. Review status: criteria provided, single submitter. Criteria: Ambry Variant Classification Scheme 2023. Collection method: clinical testing. Allele origin: germline.

Leiden Open Variation Database
Classification: Uncertain significance. Last evaluated: 2018-08-25. Review status: no assertion criteria provided. Collection method: curation. Allele origin: germline. Affected: yes. Not counted in ClinVar's aggregate classification.
Comment: Curators: Marc Tischkowitz, Arleen D. Auerbach. Submitter to LOVD: Yukihide Momozawa.

Literature cited by the submitters: PubMed 30287823 (cited by Leiden Open Variation Database).

NM_024675.4(PALB2):c.443A>G (p.Lys148Arg)

Gene: PALB2 (partner and localizer of BRCA2; minus strand). Cytogenetic location: 16p12.2.
Variant type: single nucleotide variant.
Coding change: c.443A>G on transcript NM_024675.4 (MANE Select); coding-DNA position 443, A replaced by G.
Protein change: p.Lys148Arg; replaces lysine 148 with arginine.
Molecular consequence: missense variant.
Genome position (GRCh38, 1-based): chr16:23,636,103, T>C on the plus strand (A>G on the coding strand, the complement: PALB2 is on the minus strand). VCF-style: chr16-23636103-T-C. GRCh37 (hg19) VCF-style: chr16-23647424-T-C.
Other names: short protein forms K148R.
Identifiers: ClinVar variation 830105 (VCV000830105.4), dbSNP rs1967047110, ClinGen allele CA395137250.
Genomic context (GRCh38, chr16:23,636,103, plus strand): 5'-GAATCAGTGCCAAAGACACAGTCTCTCTCCTGTGAAATAAATGTCCTCTTCTGCTGCTTC[T>C]TTCTTCTGCTTGGCAGCTTCTGCTTTTGCTCACCACTAGGGTCACTGACCCTGTGGGGAA-3'
Protein context (NP_078951.2, residues 138-158): EQKQKLPSRR[Lys148Arg]KQQKRTFISQ